The following is an entry in ClinVar:

NM_000219.6(KCNE1):c.17C>T (p.Thr6Ile)

Gene: KCNE1 (potassium voltage-gated channel subfamily E regulatory subunit 1; minus strand). Cytogenetic location: 21q22.12.
Variant type: single nucleotide variant.
Coding change: c.17C>T on transcript NM_000219.6 (MANE Select); coding-DNA position 17, C replaced by T.
Protein change: p.Thr6Ile; replaces threonine 6 with isoleucine.
Molecular consequence: missense variant.
Genome position (GRCh38, 1-based): chr21:34,449,618, G>A on the plus strand (C>T on the coding strand, the complement: KCNE1 is on the minus strand). VCF-style: chr21-34449618-G-A. GRCh37 (hg19) VCF-style: chr21-35821916-G-A.
Other names: c.17C>T, p.Thr6Ile (NM_001127668.4, NM_001127669.4, NM_001127670.4 and 4 more transcripts); short protein forms T6I.
Identifiers: ClinVar variation 3287550 (VCV003287550.3).

ClinVar aggregate classification (germline): Uncertain significance (1 of 4 stars; one submission).

Conditions:
Cardiovascular phenotype. Identifiers: MedGen CN230736.

Submissions (2):

Ambry Genetics
Classification: Uncertain significance for Cardiovascular phenotype. Last evaluated: 2024-04-04. Review status: criteria provided, single submitter. Criteria: Ambry Variant Classification Scheme 2023. Collection method: clinical testing. Allele origin: germline.
Comment: The p.T6I variant (also known as c.17C>T), located in coding exon 1 of the KCNE1 gene, results from a C to T substitution at nucleotide position 17. The threonine at codon 6 is replaced by isoleucine, an amino acid with similar properties. This amino acid position is conserved. In addition, this alteration is predicted to be tolerated by in silico analysis. Based on the available evidence, the clinical significance of this variant remains unclear.

Roden Lab, Vanderbilt University Medical Center
No classification provided (evidence only). Condition: Long QT syndrome 5. Review status: no classification provided. Collection method: in vitro. Allele origin: not applicable. Functional consequence: Effect on ion channel function. Not counted in ClinVar's aggregate classification.
ClinVar note: "not provided" was previously submitted as the classification for the variant. However, the classification appeared to be based only on an observation of functional data so it was converted to no classification on 2025-07-30.